The following is an entry in ClinVar:

ClinVar aggregate classification (germline): Uncertain significance. Review status: criteria provided, multiple submitters, no conflicts (2 of 4 stars). 2 submissions from 2 submitters: Uncertain significance (2). Last evaluated 2022-10-16.

Conditions:
Hereditary cancer-predisposing syndrome. Also called: Hereditary Cancer Syndrome; Hereditary neoplastic syndrome; Neoplastic Syndromes, Hereditary; Tumor predisposition. Identifiers: Orphanet 140162, MedGen C0027672, MeSH D009386, MONDO:0015356.

Submissions (2):

Labcorp Genetics (formerly Invitae), Labcorp
Classification: Uncertain significance. Last evaluated: 2022-10-16. Review status: criteria provided, single submitter. Criteria: Invitae Variant Classification Sherloc (09022015). Collection method: clinical testing. Allele origin: germline.
Comment: In summary, the available evidence is currently insufficient to determine the role of this variant in disease. Therefore, it has been classified as a Variant of Uncertain Significance. This variant is not present in population databases (gnomAD no frequency). This sequence change replaces alanine, which is neutral and non-polar, with proline, which is neutral and non-polar, at codon 20 of the FH protein (p.Ala20Pro). Advanced modeling of protein sequence and biophysical properties (such as structural, functional, and spatial information, amino acid conservation, physicochemical variation, residue mobility, and thermodynamic stability) performed at Invitae indicates that this missense variant is not expected to disrupt FH protein function. This variant has not been reported in the literature in individuals affected with FH-related conditions.

Ambry Genetics
Classification: Uncertain significance for Hereditary cancer-predisposing syndrome. Last evaluated: 2020-11-17. Review status: criteria provided, single submitter. Criteria: Ambry Variant Classification Scheme 2023. Collection method: clinical testing. Allele origin: germline.
Comment: The p.A20P variant (also known as c.58G>C), located in coding exon 1 of the FH gene, results from a G to C substitution at nucleotide position 58. The alanine at codon 20 is replaced by proline, an amino acid with highly similar properties. This amino acid position is poorly conserved in available vertebrate species. In addition, this alteration is predicted to be tolerated by in silico analysis. Since supporting evidence is limited at this time, the clinical significance of this alteration remains unclear.

NM_000143.4(FH):c.58G>C (p.Ala20Pro)

Gene: FH (fumarate hydratase; minus strand). Cytogenetic location: 1q43.
Variant type: single nucleotide variant.
Coding change: c.58G>C on transcript NM_000143.4 (MANE Select); coding-DNA position 58, G replaced by C.
Protein change: p.Ala20Pro; replaces alanine 20 with proline.
Molecular consequence: missense variant.
Genome position (GRCh38, 1-based): chr1:241,519,665, C>G on the plus strand (G>C on the coding strand, the complement: FH is on the minus strand). VCF-style: chr1-241519665-C-G. GRCh37 (hg19) VCF-style: chr1-241682965-C-G.
Other names: short protein forms A20P.
Identifiers: ClinVar variation 1750397 (VCV001750397.7), dbSNP rs572324497, ClinGen allele CA345442920.